The following is an entry in ClinVar:

NM_153252.5(BRWD3):c.2721+5G>A

Gene: BRWD3 (bromodomain and WD repeat domain containing 3; minus strand). Cytogenetic location: Xq21.1.
Variant type: single nucleotide variant.
Coding change: c.2721+5G>A on transcript NM_153252.5 (MANE Select); 5 bases into the intron after coding-DNA position 2721, G replaced by A.
Molecular consequence: intron variant.
Genome position (GRCh38, 1-based): chrX:80,704,673, C>T on the plus strand (G>A on the coding strand, the complement: BRWD3 is on the minus strand). VCF-style: chrX-80704673-C-T. GRCh37 (hg19) VCF-style: chrX-79960172-C-T.
Identifiers: ClinVar variation 2637380 (VCV002637380.1), dbSNP rs2520270226, ClinGen allele CA2694172450.

ClinVar aggregate classification (germline): Uncertain significance (1 of 4 stars; one submission).

Conditions:
BRWD3-related disorder. Also called: BRWD3-related condition.

Allele frequency attached by ClinVar (database versions not stated): gnomAD exomes below 0.00001.
gnomAD v4.1: 1 of 1,208,006 alleles (0.000083%); highest among the groups gnomAD compares: Non-Finnish European, 0.00011%; no homozygotes.

Submission:

PreventionGenetics, part of Exact Sciences
Classification: Uncertain significance for BRWD3-related condition. Last evaluated: 2022-10-04. Review status: criteria provided, single submitter. Criteria: ACMG Guidelines, 2015. Collection method: clinical testing. Allele origin: germline.
Comment: The BRWD3 c.2721+5G>A variant is predicted to interfere with splicing. To our knowledge, this variant has not been reported in the literature or in a large population database, indicating it is rare. At this time, the clinical significance of this variant is uncertain due to the absence of conclusive functional and genetic evidence.